The following is an entry in ClinVar:

NM_144670.6(A2ML1):c.3889A>T (p.Met1297Leu)

Gene: A2ML1 (alpha-2-macroglobulin like 1; plus strand). Cytogenetic location: 12p13.31.
Variant type: single nucleotide variant.
Coding change: c.3889A>T on transcript NM_144670.6 (MANE Select); coding-DNA position 3889, A replaced by T.
Protein change: p.Met1297Leu; replaces methionine 1297 with leucine.
Molecular consequence: missense variant.
Genome position (GRCh38, 1-based): chr12:8,868,013, A>T. VCF-style: chr12-8868013-A-T. GRCh37 (hg19) VCF-style: chr12-9020609-A-T.
Other names: c.2416A>T, p.Met806Leu (NM_001282424.3); short protein forms M806L, M1297L.
Identifiers: ClinVar variation 4055377 (VCV004055377.1).

ClinVar aggregate classification (germline): Uncertain significance (1 of 4 stars; one submission).

Submission:

Ambry Genetics
Classification: Uncertain significance. Last evaluated: 2025-06-07. Review status: criteria provided, single submitter. Criteria: Ambry Variant Classification Scheme 2023. Collection method: clinical testing. Allele origin: germline.
Comment: The p.M1297L variant (also known as c.3889A>T), located in coding exon 30 of the A2ML1 gene, results from an A to T substitution at nucleotide position 3889. The methionine at codon 1297 is replaced by leucine, an amino acid with highly similar properties. This amino acid position is conserved. In addition, this alteration is predicted to be tolerated by in silico analysis. Based on the available evidence, the clinical significance of this variant remains unclear.